The following is an entry in ClinVar:

NM_014516.4(CNOT3):c.60G>C (p.Glu20Asp)

Gene: CNOT3 (CCR4-NOT transcription complex subunit 3; plus strand). Cytogenetic location: 19q13.42.
Variant type: single nucleotide variant.
Coding change: c.60G>C on transcript NM_014516.4 (MANE Select); coding-DNA position 60, G replaced by C.
Protein change: p.Glu20Asp; replaces glutamic acid 20 with aspartic acid.
Molecular consequence: missense variant. On other transcripts: non-coding transcript variant (2), 5 prime UTR variant (2).
Genome position (GRCh38, 1-based): chr19:54,143,153, G>C. VCF-style: chr19-54143153-G-C. GRCh37 (hg19) VCF-style: chr19-54646889-G-C.
Other names: c.60G>C, p.Glu20Asp (NM_001440664.1, NM_001440653.1, NM_001440654.1 and 7 more transcripts); c.-540G>C (NM_001440659.1, NM_001440660.1); short protein forms E20D.
Identifiers: ClinVar variation 4686388 (VCV004686388.1).

ClinVar aggregate classification (germline): Uncertain significance (1 of 4 stars; one submission).

Submission:

GeneDx
Classification: Uncertain significance. Last evaluated: 2025-07-17. Review status: criteria provided, single submitter. Criteria: GeneDx Variant Classification Process June 2021. Collection method: clinical testing. Allele origin: germline. Affected: yes.
Comment: Not observed at significant frequency in large population cohorts (gnomAD); In silico analysis supports that this missense variant has a deleterious effect on protein structure/function; Has not been previously published as pathogenic or benign to our knowledge